The following is an entry in ClinVar:

NM_002440.4(MSH4):c.1766A>G (p.Tyr589Cys)

Gene: MSH4 (mutS homolog 4; plus strand). Cytogenetic location: 1p31.1.
Variant type: single nucleotide variant.
Coding change: c.1766A>G on transcript NM_002440.4 (MANE Select); coding-DNA position 1766, A replaced by G.
Protein change: p.Tyr589Cys; replaces tyrosine 589 with cysteine.
Molecular consequence: missense variant.
Genome position (GRCh38, 1-based): chr1:75,880,138, A>G. VCF-style: chr1-75880138-A-G. GRCh37 (hg19) VCF-style: chr1-76345823-A-G.
Other names: short protein forms Y589C.
Identifiers: ClinVar variation 2498406 (VCV002498406.28), dbSNP rs5745459, ClinGen allele CA914347.

ClinVar aggregate classification (germline): Benign (1 of 4 stars; one submission).

Allele frequency attached by ClinVar (database versions not stated): 1000 Genomes Project 30x 0.00390; 1000 Genomes Project 0.00419; TOPMed 0.00626; ESP Exome Variant Server 0.00673; gnomAD 0.00842; ExAC 0.00913; gnomAD exomes 0.01004.

Submission:

CeGaT Center for Human Genetics Tuebingen
Classification: Benign. Last evaluated: 2026-02-01. Review status: criteria provided, single submitter. Criteria: CeGaT Center For Human Genetics Tuebingen Variant Classification Criteria Version 2. Collection method: clinical testing. Allele origin: germline. Affected: yes. Observed: 13 variant alleles.
Comment: MSH4: BS1, BS2